The following is an entry in ClinVar:

ClinVar aggregate classification (germline): Uncertain significance. Review status: criteria provided, multiple submitters, no conflicts (2 of 4 stars). 2 submissions from 2 submitters: Uncertain significance (2). Last evaluated 2025-10-18.

Conditions:
ZTTK syndrome (ZTTKS). Also called: ZTTK MULTIPLE CONGENITAL ANOMALIES-MENTAL RETARDATION SYNDROME; Zhu-Tokita-Takenouchi-Kim Syndrome. Identifiers: Orphanet 500150, MedGen C4310696, MONDO:0014936, OMIM 617140.

Allele frequency attached by ClinVar (database versions not stated): gnomAD exomes below 0.00001; TOPMed below 0.00001.
gnomAD v4.1: 5 of 1,613,986 alleles (0.00031%); highest among the groups gnomAD compares: Non-Finnish European, 0.00034%; no homozygotes.

Submissions (2):

Labcorp Genetics (formerly Invitae), Labcorp
Classification: Uncertain significance. Last evaluated: 2025-10-18. Review status: criteria provided, single submitter. Criteria: Invitae Variant Classification Sherloc (09022015). Collection method: clinical testing. Allele origin: germline.
Comment: This sequence change replaces arginine, which is basic and polar, with glutamine, which is neutral and polar, at codon 2291 of the SON protein (p.Arg2291Gln). This variant is present in population databases (no rsID available, gnomAD 0.0009%). This variant has not been reported in the literature in individuals affected with SON-related conditions. ClinVar contains an entry for this variant (Variation ID: 1030020). Experimental studies and prediction algorithms are not available or were not evaluated, and the functional significance of this variant is currently unknown. In summary, the available evidence is currently insufficient to determine the role of this variant in disease. Therefore, it has been classified as a Variant of Uncertain Significance.

Baylor Genetics
Classification: Uncertain significance for ZTTK syndrome. Last evaluated: 2019-08-16. Review status: criteria provided, single submitter. Criteria: ACMG Guidelines, 2015. Collection method: clinical testing. Allele origin: paternal. Affected: yes.
Comment: This variant was determined to be of uncertain significance according to ACMG Guidelines, 2015 [PMID:25741868].

NM_138927.4(SON):c.6657+316G>A

Gene: SON (SON DNA and RNA binding protein; plus strand). Cytogenetic location: 21q22.11.
Variant type: single nucleotide variant.
Coding change: c.6657+316G>A on transcript NM_138927.4 (MANE Select); 316 bases into the intron after coding-DNA position 6657, G replaced by A.
Molecular consequence: intron variant. On other transcripts: missense variant (1).
Genome position (GRCh38, 1-based): chr21:33,560,091, G>A. VCF-style: chr21-33560091-G-A. GRCh37 (hg19) VCF-style: chr21-34932397-G-A.
Other names: c.6872G>A, p.Arg2291Gln (NM_032195.3); c.741+316G>A (NM_001291412.3); short protein forms R2291Q.
Identifiers: ClinVar variation 1030020 (VCV001030020.2), dbSNP rs1013825474, ClinGen allele CA320105440.